The following is an entry in ClinVar:

NM_005359.6(SMAD4):c.1309-1G>A

Gene: SMAD4 (SMAD family member 4; plus strand). Cytogenetic location: 18q21.2.
Variant type: single nucleotide variant.
Coding change: c.1309-1G>A on transcript NM_005359.6 (MANE Select); the canonical splice acceptor site of the intron before coding-DNA position 1309, G replaced by A.
Molecular consequence: splice acceptor variant.
Genome position (GRCh38, 1-based): chr18:51,076,637, G>A. VCF-style: chr18-51076637-G-A. GRCh37 (hg19) VCF-style: chr18-48603007-G-A.
Other names: c.1309-1G>A (NM_001407042.1, NM_001407041.1).
Identifiers: ClinVar variation 529910 (VCV000529910.10), dbSNP rs1555687377, ClinGen allele CA402465095.

ClinVar aggregate classification (germline): Pathogenic/Likely pathogenic. Review status: criteria provided, multiple submitters, no conflicts (2 of 4 stars). 2 submissions from 2 submitters: Pathogenic (1); Likely pathogenic (1). Last evaluated 2017-11-16.

Conditions:
Juvenile polyposis syndrome (JPS). Identifiers: Orphanet 2929, MedGen C0345893, MONDO:0017380, OMIM 174900.
Hereditary cancer-predisposing syndrome. Also called: Neoplastic Syndromes, Hereditary; Hereditary neoplastic syndrome; Tumor predisposition; Hereditary Cancer Syndrome. Identifiers: Orphanet 140162, MedGen C0027672, MeSH D009386, MONDO:0015356.
Familial thoracic aortic aneurysm and aortic dissection (TAAD). Also called: Thoracic aortic aneurysms and dissections. Identifiers: Orphanet 91387, MedGen C4707243, MONDO:0019625.

Submissions (2):

Labcorp Genetics (formerly Invitae), Labcorp
Classification: Likely pathogenic for Juvenile polyposis syndrome. Last evaluated: 2017-11-16. Review status: criteria provided, single submitter. Criteria: Invitae Variant Classification Sherloc (09022015). Collection method: clinical testing. Allele origin: germline.
Comment: Donor and acceptor splice site variants typically lead to a loss of protein function (PMID: 16199547), and loss-of-function variants in SMAD4 are known to be pathogenic (PMID: 16152648, 16436638, 22810475). Algorithms developed to predict the effect of sequence changes on RNA splicing suggest that this variant may disrupt the consensus splice site, but this prediction has not been confirmed by published transcriptional studies. This variant has not been reported in the literature in individuals with SMAD4-related disease. This variant is not present in population databases (ExAC no frequency). This sequence change affects an acceptor splice site in intron 10 of the SMAD4 gene. It is expected to disrupt RNA splicing and likely results in an absent or disrupted protein product. In summary, the currently available evidence indicates that the variant is pathogenic, but additional data are needed to prove that conclusively. Therefore, this variant has been classified as Likely Pathogenic.

Ambry Genetics
Classification: Pathogenic for Hereditary cancer-predisposing syndrome; Familial thoracic aortic aneurysm and aortic dissection. Last evaluated: 2014-10-30. Review status: criteria provided, single submitter. Criteria: Ambry Variant Classification Scheme 2023. Collection method: clinical testing. Allele origin: germline.
Comment: The c.1309-1G>A intronic pathogenic mutation results from a G to A substitution one nucleotide before coding exon 10 of the SMAD4 gene. In addition, alterations that disrupt the canonical splice acceptor site are typically deleterious in nature (ACMG Recommendations for Standards for Interpretation and Reporting of Sequence Variations. Revision 2007. Genet Med. 2008;10:294). Based on the available evidence, c.1309-1G>A is classified as a pathogenic mutation.

Literature cited by the submitters: PubMed 16199547 (cited by Labcorp Genetics (formerly Invitae), Labcorp); PubMed 16152648 (cited by Labcorp Genetics (formerly Invitae), Labcorp); PubMed 16436638 (cited by Labcorp Genetics (formerly Invitae), Labcorp); PubMed 22810475 (cited by Labcorp Genetics (formerly Invitae), Labcorp).